The following is an entry in ClinVar:

NM_001696.4(ATP6V1E1):c.484G>A (p.Asp162Asn)

Gene: ATP6V1E1 (ATPase H+ transporting V1 subunit E1; minus strand). Cytogenetic location: 22q11.21.
Variant type: single nucleotide variant.
Coding change: c.484G>A on transcript NM_001696.4 (MANE Select); coding-DNA position 484, G replaced by A.
Protein change: p.Asp162Asn; replaces aspartic acid 162 with asparagine.
Molecular consequence: missense variant.
Genome position (GRCh38, 1-based): chr22:17,598,240, C>T on the plus strand (G>A on the coding strand, the complement: ATP6V1E1 is on the minus strand). VCF-style: chr22-17598240-C-T. GRCh37 (hg19) VCF-style: chr22-18081006-C-T.
Other names: c.484G>A (NM_001696.3); c.418G>A, p.Asp140Asn (NM_001039366.1); c.394G>A, p.Asp132Asn (NM_001039367.1); short protein forms D132N, D140N, D162N.
Identifiers: ClinVar variation 1412133 (VCV001412133.9), dbSNP rs550630159, ClinGen allele CA10090062.

ClinVar aggregate classification (germline): Uncertain significance. Review status: criteria provided, multiple submitters, no conflicts (2 of 4 stars). 3 submissions from 3 submitters: Uncertain significance (3). Last evaluated 2026-01-01.

Allele frequency attached by ClinVar (database versions not stated): gnomAD 0.00001 and 0.00002; TOPMed 0.00002; gnomAD exomes 0.00003 and 0.00006; ExAC 0.00007; 1000 Genomes Project 30x 0.00016; 1000 Genomes Project 0.00020.
gnomAD v4.1: 49 of 1,614,126 alleles (0.003%); highest among the groups gnomAD compares: Admixed American, 0.01%; no homozygotes.

Submissions (3):

CeGaT Center for Human Genetics Tuebingen
Classification: Uncertain significance. Last evaluated: 2026-01-01. Review status: criteria provided, single submitter. Criteria: CeGaT Center For Human Genetics Tuebingen Variant Classification Criteria Version 2. Collection method: clinical testing. Allele origin: germline. Affected: yes. Observed: 1 variant allele.
Comment: ATP6V1E1: PM2, BP4

GeneDx
Classification: Uncertain significance. Last evaluated: 2024-09-01. Review status: criteria provided, single submitter. Criteria: GeneDx Variant Classification Process June 2021. Collection method: clinical testing. Allele origin: germline. Affected: yes.
Comment: Not observed at significant frequency in large population cohorts (gnomAD); In silico analysis supports that this missense variant has a deleterious effect on protein structure/function; Has not been previously published as pathogenic or benign to our knowledge

Labcorp Genetics (formerly Invitae), Labcorp
Classification: Uncertain significance. Last evaluated: 2022-07-06. Review status: criteria provided, single submitter. Criteria: Invitae Variant Classification Sherloc (09022015). Collection method: clinical testing. Allele origin: germline.
Comment: This variant has not been reported in the literature in individuals affected with ATP6V1E1-related conditions. In summary, the available evidence is currently insufficient to determine the role of this variant in disease. Therefore, it has been classified as a Variant of Uncertain Significance. Algorithms developed to predict the effect of missense changes on protein structure and function (SIFT, PolyPhen-2, Align-GVGD) all suggest that this variant is likely to be tolerated. ClinVar contains an entry for this variant (Variation ID: 1412133). This variant is present in population databases (rs550630159, gnomAD 0.009%). This sequence change replaces aspartic acid, which is acidic and polar, with asparagine, which is neutral and polar, at codon 162 of the ATP6V1E1 protein (p.Asp162Asn).